The following is an entry in ClinVar:

ClinVar aggregate classification (germline): Benign/Likely benign. Review status: criteria provided, multiple submitters, no conflicts (2 of 4 stars). 3 submissions from 3 submitters: Benign (1); Likely benign (1). 1 of the submissions does not count toward it. Last evaluated 2026-05-14.

Conditions:
Ataxia-telangiectasia syndrome (AT). Also called: Ataxia-telangiectasia; Ataxia-telangiectasia, complementation group D; AT, COMPLEMENTATION GROUP C; Ataxia-telangiectasia, complementation group E; LOUIS-BAR SYNDROME; Cerebello-oculocutaneous telangiectasia. Identifiers: Orphanet 100, MedGen C0004135, MONDO:0008840, OMIM 208900.
Familial cancer of breast. Also called: hereditary breast carcinoma; BREAST CANCER, FAMILIAL; Hereditary breast cancer. Identifiers: Orphanet 227535, MedGen C0346153, MONDO:0016419, OMIM 114480. Disease mechanism: loss of function.
Hereditary cancer-predisposing syndrome. Also called: Neoplastic Syndromes, Hereditary; Tumor predisposition; Hereditary Cancer Syndrome; Hereditary neoplastic syndrome. Identifiers: Orphanet 140162, MedGen C0027672, MeSH D009386, MONDO:0015356.

Allele frequency attached by ClinVar (database versions not stated): gnomAD exomes 0.00001.
gnomAD v4.1: 7 of 1,611,944 alleles (0.00043%); highest among the groups gnomAD compares: Non-Finnish European, 0.00059%; no homozygotes.

Submissions (3):

Ambry Genetics
Classification: Likely benign for Hereditary cancer-predisposing syndrome. Last evaluated: 2026-05-14. Review status: criteria provided, single submitter. Criteria: Ambry Variant Classification Scheme 2023. Collection method: clinical testing. Allele origin: germline.

Myriad Genetics, Inc.
Classification: Benign for Familial cancer of breast. Last evaluated: 2024-06-05. Review status: criteria provided, single submitter. Criteria: Myriad Autosomal Dominant, Autosomal Recessive and X-Linked Classification Criteria (2023). Collection method: clinical testing. Allele origin: unknown.
Comment: This variant is considered benign. This variant is a silent/synonymous amino acid change and it is not expected to impact splicing.

Natera, Inc.
Classification: Uncertain significance for Ataxia-telangiectasia. Last evaluated: 2025-02-11. Review status: no assertion criteria provided. Collection method: clinical testing. Allele origin: germline. Not counted in ClinVar's aggregate classification.

NM_000051.4(ATM):c.6237C>G (p.Val2079=)

Genes: ATM (ATM serine/threonine kinase; plus strand), C11orf65 (chromosome 11 open reading frame 65; minus strand). Cytogenetic location: 11q22.3.
Variant type: single nucleotide variant.
Coding change: c.6237C>G on transcript NM_000051.4 (MANE Select); coding-DNA position 6237, C replaced by G.
Protein change: p.Val2079=; no amino-acid change (valine 2079 retained).
Molecular consequence: synonymous variant. On other transcripts: intron variant (2).
Genome position (GRCh38, 1-based): chr11:108,317,411, C>G. VCF-style: chr11-108317411-C-G. GRCh37 (hg19) VCF-style: chr11-108188138-C-G.
Other names: c.6237C>G, p.Val2079= (NM_001351834.2); c.641-8340G>C (NM_001330368.2); c.*39-8340G>C (NM_001351110.2).
Identifiers: ClinVar variation 3254336 (VCV003254336.2), dbSNP rs1446399368.